The following is an entry in ClinVar:

NM_004655.4(AXIN2):c.1712+4A>C

Gene: AXIN2 (axin 2; minus strand). Cytogenetic location: 17q24.1.
Variant type: single nucleotide variant.
Coding change: c.1712+4A>C on transcript NM_004655.4 (MANE Select); 4 bases into the intron after coding-DNA position 1712, A replaced by C.
Molecular consequence: intron variant.
Genome position (GRCh38, 1-based): chr17:65,537,320, T>G on the plus strand (A>C on the coding strand, the complement: AXIN2 is on the minus strand). VCF-style: chr17-65537320-T-G. GRCh37 (hg19) VCF-style: chr17-63533438-T-G.
Other names: c.1712+4A>C (NM_001363813.1).
Identifiers: ClinVar variation 2837761 (VCV002837761.2), dbSNP rs1404820378, ClinGen allele CA2739268333.

ClinVar aggregate classification (germline): Uncertain significance (1 of 4 stars; one submission).

Conditions:
Oligodontia-cancer predisposition syndrome. Also called: TOOTH AGENESIS-COLORECTAL CANCER SYNDROME. Identifiers: Orphanet 300576, MedGen C1837750, MONDO:0012075, OMIM 608615. Disease mechanism: loss of function.

Submission:

Labcorp Genetics (formerly Invitae), Labcorp
Classification: Uncertain significance for Oligodontia-cancer predisposition syndrome. Last evaluated: 2023-02-24. Review status: criteria provided, single submitter. Criteria: Invitae Variant Classification Sherloc (09022015). Collection method: clinical testing. Allele origin: germline.
Comment: This variant has not been reported in the literature in individuals affected with AXIN2-related conditions. In summary, the available evidence is currently insufficient to determine the role of this variant in disease. Therefore, it has been classified as a Variant of Uncertain Significance. Variants that disrupt the consensus splice site are a relatively common cause of aberrant splicing (PMID: 17576681, 9536098). Algorithms developed to predict the effect of sequence changes on RNA splicing suggest that this variant is not likely to affect RNA splicing. This variant is not present in population databases (gnomAD no frequency). This sequence change falls in intron 6 of the AXIN2 gene. It does not directly change the encoded amino acid sequence of the AXIN2 protein. It affects a nucleotide within the consensus splice site.

Literature cited by the submitters: PubMed 17576681; PubMed 9536098.